The following is an entry in ClinVar:

NM_000219.6(KCNE1):c.49T>G (p.Trp17Gly)

Gene: KCNE1 (potassium voltage-gated channel subfamily E regulatory subunit 1; minus strand). Cytogenetic location: 21q22.12.
Variant type: single nucleotide variant.
Coding change: c.49T>G on transcript NM_000219.6 (MANE Select); coding-DNA position 49, T replaced by G.
Protein change: p.Trp17Gly; replaces tryptophan 17 with glycine.
Molecular consequence: missense variant.
Genome position (GRCh38, 1-based): chr21:34,449,586, A>C on the plus strand (T>G on the coding strand, the complement: KCNE1 is on the minus strand). VCF-style: chr21-34449586-A-C. GRCh37 (hg19) VCF-style: chr21-35821884-A-C.
Other names: c.49T>G, p.Trp17Gly (NM_001127668.4, NM_001127669.4, NM_001127670.4 and 4 more transcripts); short protein forms W17G.
Identifiers: ClinVar variation 3373907 (VCV003373907.2).
Genomic context (GRCh38, chr21:34,449,586, plus strand): 5'-TGCGGGGGGACCTGCGGGCCAGGCCCGACATGTTGCCACCCTGCTGAACTGTCTCCTGCC[A>C]CAGCTTGGTCAGAAAGGGCGTCACCGCTGTGGTGTTAGACAGGATCATCCTGGGCATTAA-3'
Protein context (NP_000210.2, residues 7-27): TAVTPFLTKL[Trp17Gly]QETVQQGGNM

Conditions:
Long QT syndrome 5 (LQT5). Identifiers: Orphanet 101016, Orphanet 768, MedGen C1867904, MONDO:0013372, OMIM 613695.

Submission:

Roden Lab, Vanderbilt University Medical Center
No classification provided (evidence only). Condition: Long QT syndrome 5. Review status: no classification provided. Collection method: in vitro. Allele origin: not applicable. Functional consequence: Effect on ion channel function.
ClinVar note: "not provided" was previously submitted as the classification for the variant. However, the classification appeared to be based only on an observation of functional data so it was converted to no classification on 2025-07-30.